The following is an entry in ClinVar:

ClinVar aggregate classification (germline): Uncertain significance. Review status: criteria provided, multiple submitters, no conflicts (2 of 4 stars). 2 submissions from 2 submitters: Uncertain significance (2). Last evaluated 2025-11-05.

Conditions:
Gastrointestinal stromal tumor. Also called: Gastrointestinal stromal tumor, somatic; Gastrointestinal stroma tumor. Identifiers: Orphanet 44890, MedGen C0238198, MeSH D046152, MONDO:0011719, OMIM 606764, HP:0100723.
Hereditary cancer-predisposing syndrome. Also called: Neoplastic Syndromes, Hereditary; Tumor predisposition; Hereditary Cancer Syndrome; Hereditary neoplastic syndrome. Identifiers: Orphanet 140162, MedGen C0027672, MeSH D009386, MONDO:0015356.

Allele frequency attached by ClinVar (database versions not stated): gnomAD exomes below 0.00001; TOPMed below 0.00001; ExAC 0.00001; gnomAD 0.00001.
gnomAD v4.1: 2 of 1,613,894 alleles (0.00012%); highest among the groups gnomAD compares: African/African-American, 0.0027%; no homozygotes.

Submissions (2):

Labcorp Genetics (formerly Invitae), Labcorp
Classification: Uncertain significance for Gastrointestinal stromal tumor. Last evaluated: 2025-11-05. Review status: criteria provided, single submitter. Criteria: Invitae Variant Classification Sherloc (09022015). Collection method: clinical testing. Allele origin: germline.
Comment: This sequence change replaces proline, which is neutral and non-polar, with alanine, which is neutral and non-polar, at codon 712 of the PDGFRA protein (p.Pro712Ala). This variant is present in population databases (rs779902846, gnomAD 0.007%). This variant has not been reported in the literature in individuals affected with PDGFRA-related conditions. ClinVar contains an entry for this variant (Variation ID: 1786452). Invitae Evidence Modeling of protein sequence and biophysical properties (such as structural, functional, and spatial information, amino acid conservation, physicochemical variation, residue mobility, and thermodynamic stability) indicates that this missense variant is not expected to disrupt PDGFRA protein function with a negative predictive value of 80%. In summary, the available evidence is currently insufficient to determine the role of this variant in disease. Therefore, it has been classified as a Variant of Uncertain Significance.

Ambry Genetics
Classification: Uncertain significance for Hereditary cancer-predisposing syndrome. Last evaluated: 2023-12-29. Review status: criteria provided, single submitter. Criteria: Ambry Variant Classification Scheme 2023. Collection method: clinical testing. Allele origin: germline.
Comment: The p.P712A variant (also known as c.2134C>G), located in coding exon 14 of the PDGFRA gene, results from a C to G substitution at nucleotide position 2134. The proline at codon 712 is replaced by alanine, an amino acid with highly similar properties. This amino acid position is conserved. In addition, this alteration is predicted to be tolerated by in silico analysis. Since supporting evidence is limited at this time, the clinical significance of this alteration remains unclear.

NM_006206.6(PDGFRA):c.2134C>G (p.Pro712Ala)

Gene: PDGFRA (platelet derived growth factor receptor alpha; plus strand). Cytogenetic location: 4q12.
Variant type: single nucleotide variant.
Coding change: c.2134C>G on transcript NM_006206.6 (MANE Select); coding-DNA position 2134, C replaced by G.
Protein change: p.Pro712Ala; replaces proline 712 with alanine.
Molecular consequence: missense variant.
Genome position (GRCh38, 1-based): chr4:54,278,493, C>G. VCF-style: chr4-54278493-C-G. GRCh37 (hg19) VCF-style: chr4-55144660-C-G.
Other names: c.2134C>G, p.Pro712Ala (NM_001347827.2, NM_001347829.2); c.2209C>G, p.Pro737Ala (NM_001347828.2); c.2173C>G, p.Pro725Ala (NM_001347830.2); short protein forms P712A, P725A, P737A.
Identifiers: ClinVar variation 1786452 (VCV001786452.5), dbSNP rs779902846, ClinGen allele CA2922752.